The following is an entry in ClinVar:

ClinVar aggregate classification (germline): Uncertain significance (1 of 4 stars; one submission).

Conditions:
Dilated cardiomyopathy 1W (CMD1W). Identifiers: Orphanet 154, MedGen C1969639, MONDO:0012667, OMIM 611407.

Submission:

Labcorp Genetics (formerly Invitae), Labcorp
Classification: Uncertain significance for Dilated cardiomyopathy 1W. Last evaluated: 2021-07-07. Review status: criteria provided, single submitter. Criteria: Invitae Variant Classification Sherloc (09022015). Collection method: clinical testing. Allele origin: germline.
Comment: In summary, the available evidence is currently insufficient to determine the role of this variant in disease. Therefore, it has been classified as a Variant of Uncertain Significance. Algorithms developed to predict the effect of missense changes on protein structure and function are either unavailable or do not agree on the potential impact of this missense change (SIFT: "Not Available"; PolyPhen-2: "Probably Damaging"; Align-GVGD: "Not Available"). This variant has not been reported in the literature in individuals with VCL-related conditions. This variant is not present in population databases (ExAC no frequency). This sequence change replaces lysine with arginine at codon 281 of the VCL protein (p.Lys281Arg). The lysine residue is highly conserved and there is a small physicochemical difference between lysine and arginine.

NM_014000.3(VCL):c.842A>G (p.Lys281Arg)

Gene: VCL (vinculin; plus strand). Cytogenetic location: 10q22.2.
Variant type: single nucleotide variant.
Coding change: c.842A>G on transcript NM_014000.3 (MANE Select); coding-DNA position 842, A replaced by G.
Protein change: p.Lys281Arg; replaces lysine 281 with arginine.
Molecular consequence: missense variant.
Genome position (GRCh38, 1-based): chr10:74,082,512, A>G. VCF-style: chr10-74082512-A-G. GRCh37 (hg19) VCF-style: chr10-75842270-A-G.
Other names: c.842A>G, p.Lys281Arg (NM_003373.4); short protein forms K281R.
Identifiers: ClinVar variation 1430989 (VCV001430989.8), dbSNP rs2136280307, ClinGen allele CA377269694.